The following is an entry in ClinVar:

NM_000478.6(ALPL):c.298-2A>G

Gene: ALPL (alkaline phosphatase, biomineralization associated; plus strand). Cytogenetic location: 1p36.12.
Variant type: single nucleotide variant.
Coding change: c.298-2A>G on transcript NM_000478.6 (MANE Select); the canonical splice acceptor site of the intron before coding-DNA position 298, A replaced by G.
Molecular consequence: splice acceptor variant.
Genome position (GRCh38, 1-based): chr1:21,563,108, A>G. VCF-style: chr1-21563108-A-G. GRCh37 (hg19) VCF-style: chr1-21889601-A-G.
Other names: c.298-2A>G (NM_001369805.2, NM_001369804.2, NM_001369803.2); c.133-2A>G (NM_001127501.4); c.67-2A>G (NM_001177520.3).
Identifiers: ClinVar variation 4086926 (VCV004086926.1).
Genomic context (GRCh38, chr1:21,563,108, plus strand): 5'-CGGGGTGGGTGCCACTGGGGCGAAGGCCTGGCCATCTCCTGACCCTCCTCTCCCACCTGC[A>G]GACGTACAACACCAATGCCCAGGTCCCTGACAGTGCCGGCACCGCCACCGCCTACCTGTG-3'

ClinVar aggregate classification (germline): Pathogenic (1 of 4 stars; one submission).

Conditions:
Hypophosphatasia. Also called: Phosphoethanol-aminuria. Identifiers: Orphanet 436, MedGen C0020630, MeSH D007014, MONDO:0018570.

Submission:

Genomenon, Inc
Classification: Pathogenic for Hypophosphatasia. Last evaluated: 2025-08-29. Review status: criteria provided, single submitter. Criteria: Genomenon Sequence Variant Interpretation Standards. Collection method: curation. Allele origin: germline. Affected: yes.
Comment: ALPL c.298-2A>G is a canonical splice variant located in the acceptor splice region of intron 4. This variant has been observed in at least one proband affected with hypophosphatasia (PMID:36361766;10679946). It is absent or not present at a significant frequency in gnomAD. In conclusion, we classify ALPL c.298-2A>G as a pathogenic variant.

Literature cited by the submitters: PubMed 36361766; PubMed 10679946.